The following is an entry in ClinVar:

NM_006080.3(SEMA3A):c.1860+1G>A

Gene: SEMA3A (semaphorin 3A; minus strand). Cytogenetic location: 7q21.11.
Variant type: single nucleotide variant.
Coding change: c.1860+1G>A on transcript NM_006080.3 (MANE Select); the canonical splice donor site of the intron after coding-DNA position 1860, G replaced by A.
Molecular consequence: splice donor variant.
Genome position (GRCh38, 1-based): chr7:83,963,204, C>T on the plus strand (G>A on the coding strand, the complement: SEMA3A is on the minus strand). VCF-style: chr7-83963204-C-T. GRCh37 (hg19) VCF-style: chr7-83592520-C-T.
Identifiers: ClinVar variation 4857023 (VCV004857023.1).

ClinVar aggregate classification (germline): Pathogenic (1 of 4 stars; one submission).

Conditions:
Hereditary Spastic Paraplegia (HSP).

Submission:

Genetics Research Center, University of Social Welfare and Rehabilitation Sciences
Classification: Pathogenic for Hereditary Spastic Paraplegia (HSP). Review status: criteria provided, single submitter. Criteria: ACMG Guidelines, 2015. Collection method: clinical testing. Allele origin: de novo. Inheritance: Autosomal dominant inheritance. Affected: yes. Observed: 1 variant allele, 1 heterozygote.
Comment: This variant causes a splice donor, intron change involving the alteration of a conserved nucleotide. The variant was absent in control chromosomes in GnomAD project. In-silico tool predicts a pathogenic outcome for this variant. Splice prediction tools including SPLICEAI and Splicing ADA strongly suggest alterations to normal splicing. Overall, the varinat meets PVS1, PM2, and PM6 ACMG criteria.

Literature cited by the submitters: PubMed 42120987.